The following is an entry in ClinVar:

ClinVar aggregate classification (germline): Uncertain significance (1 of 4 stars; one submission).

Submission:

GeneDx
Classification: Uncertain significance. Last evaluated: 2023-01-03. Review status: criteria provided, single submitter. Criteria: GeneDx Variant Classification Process June 2021. Collection method: clinical testing. Allele origin: germline. Affected: yes.
Comment: Frameshift variant predicted to result in protein truncation or nonsense mediated decay in a gene or region of a gene for which loss of function is not a well-established mechanism of disease; Not observed at significant frequency in large population cohorts (gnomAD); Has not been previously published as pathogenic or benign to our knowledge

NM_015267.4(CUX2):c.587del (p.Leu196fs)

Gene: CUX2 (cut like homeobox 2; plus strand). Cytogenetic location: 12q24.11.
Variant type: Deletion.
Coding change: c.587del on transcript NM_015267.4 (MANE Select); coding-DNA position 587, one base deleted (T; older notation c.587delT).
Protein change: p.Leu196fs; shifts the reading frame from leucine 196.
Molecular consequence: frameshift variant.
Genome position (GRCh38, 1-based): chr12:111,295,359, T deleted; the last of 3 consecutive T bases (chr12:111,295,357-111,295,359); deleting any one gives the same sequence. VCF-style (leftmost placement, unchanged base first): chr12-111295356-CT-C. GRCh37 (hg19) VCF-style: chr12-111733160-CT-C.
Other names: c.401del, p.Leu134fs (NM_001370598.1); short protein forms L134fs, L196fs.
Identifiers: ClinVar variation 2507366 (VCV002507366.1), dbSNP rs2499778674, ClinGen allele CA2580614558.